The following is an entry in ClinVar:

NM_006063.3(KLHL41):c.50C>G (p.Thr17Ser)

Gene: KLHL41 (kelch like family member 41; plus strand). Cytogenetic location: 2q31.1.
Variant type: single nucleotide variant.
Coding change: c.50C>G on transcript NM_006063.3 (MANE Select); coding-DNA position 50, C replaced by G.
Protein change: p.Thr17Ser; replaces threonine 17 with serine.
Molecular consequence: missense variant.
Genome position (GRCh38, 1-based): chr2:169,509,828, C>G. VCF-style: chr2-169509828-C-G. GRCh37 (hg19) VCF-style: chr2-170366338-C-G.
Other names: short protein forms T17S.
Identifiers: ClinVar variation 2185775 (VCV002185775.4), dbSNP rs752585175, ClinGen allele CA349172664.

ClinVar aggregate classification (germline): Uncertain significance (1 of 4 stars; one submission).

Conditions:
Nemaline myopathy 9 (NEM9). Identifiers: MedGen C3810384, MONDO:0014326, OMIM 615731.

Submission:

Labcorp Genetics (formerly Invitae), Labcorp
Classification: Uncertain significance for Nemaline myopathy 9. Last evaluated: 2022-07-01. Review status: criteria provided, single submitter. Criteria: Invitae Variant Classification Sherloc (09022015). Collection method: clinical testing. Allele origin: germline.
Comment: In summary, the available evidence is currently insufficient to determine the role of this variant in disease. Therefore, it has been classified as a Variant of Uncertain Significance. Algorithms developed to predict the effect of missense changes on protein structure and function (SIFT, PolyPhen-2, Align-GVGD) all suggest that this variant is likely to be disruptive. This variant has not been reported in the literature in individuals affected with KLHL41-related conditions. This variant is present in population databases (no rsID available, gnomAD 0.006%). This sequence change replaces threonine, which is neutral and polar, with serine, which is neutral and polar, at codon 17 of the KLHL41 protein (p.Thr17Ser).